The following is an entry in ClinVar:

NM_000094.4(COL7A1):c.6074del (p.Gly2025fs)

Gene: COL7A1 (collagen type VII alpha 1 chain; minus strand). Cytogenetic location: 3p21.31.
Variant type: Deletion.
Coding change: c.6074del on transcript NM_000094.4 (MANE Select); coding-DNA position 6074, one base deleted (G; older notation c.6074delG).
Protein change: p.Gly2025fs; shifts the reading frame from glycine 2025.
Molecular consequence: frameshift variant.
Genome position (GRCh38, 1-based): chr3:48,575,445, C deleted on the plus strand (G on the coding strand, the reverse complement: COL7A1 is on the minus strand); the first of 4 consecutive C bases (chr3:48,575,445-48,575,448); deleting any one gives the same sequence. VCF-style (leftmost placement, unchanged base first): chr3-48575444-GC-G. GRCh37 (hg19) VCF-style: chr3-48612877-GC-G.
Other names: c.6074delG (NM_000094.3); short protein forms G2025fs.
Identifiers: ClinVar variation 280157 (VCV000280157.3), dbSNP rs886041417, ClinGen allele CA10602910.

ClinVar aggregate classification (germline): Pathogenic. Review status: criteria provided, multiple submitters, no conflicts (2 of 4 stars). 2 submissions from 2 submitters: Pathogenic (2). Last evaluated 2025-12-01.

Submissions (2):

Labcorp Genetics (formerly Invitae), Labcorp
Classification: Pathogenic. Last evaluated: 2025-12-01. Review status: criteria provided, single submitter. Criteria: Invitae Variant Classification Sherloc (09022015). Collection method: clinical testing. Allele origin: germline.
Comment: This sequence change creates a premature translational stop signal (p.Gly2025Alafs*181) in the COL7A1 gene. It is expected to result in an absent or disrupted protein product. Loss-of-function variants in COL7A1 are known to be pathogenic (PMID: 16971478). This variant is not present in population databases (gnomAD no frequency). This variant has not been reported in the literature in individuals affected with COL7A1-related conditions. ClinVar contains an entry for this variant (Variation ID: 280157). For these reasons, this variant has been classified as Pathogenic.

GeneDx
Classification: Pathogenic. Last evaluated: 2015-11-22. Review status: criteria provided, single submitter. Criteria: GeneDx Variant Classification (06012015). Collection method: clinical testing. Allele origin: germline. Affected: yes.
Comment: The c.6074delG pathogenic variant in the COL7A1 gene has not been reported previously as a pathogenic variant nor as a benign variant, to our knowledge. The c.6074delG variant causes a frameshift starting with codon Glycine 2025, changes this amino acid to an Alanine residue, and creates a premature Stop codon at position 181 of the new reading frame, denoted p.Gly2025AlafsX181. This variant is predicted to cause loss of normal protein function either through protein truncation or nonsense-mediated mRNA decay. The c.6074delG variant was not observed in approximately 6,500 individuals of European and African American ancestry in the NHLBI Exome Sequencing Project, indicating it is not a common benign variant in these populations. We interpret c.6074delG as a pathogenic variant.

Literature cited by the submitters: PubMed 16971478 (cited by Labcorp Genetics (formerly Invitae), Labcorp).